The following is an entry in ClinVar:

NM_006412.4(AGPAT2):c.208T>G (p.Phe70Val)

Gene: AGPAT2 (1-acylglycerol-3-phosphate O-acyltransferase 2; minus strand). Cytogenetic location: 9q34.3.
Variant type: single nucleotide variant.
Coding change: c.208T>G on transcript NM_006412.4 (MANE Select); coding-DNA position 208, T replaced by G.
Protein change: p.Phe70Val; replaces phenylalanine 70 with valine.
Molecular consequence: missense variant.
Genome position (GRCh38, 1-based): chr9:136,677,531, A>C on the plus strand (T>G on the coding strand, the complement: AGPAT2 is on the minus strand). VCF-style: chr9-136677531-A-C. GRCh37 (hg19) VCF-style: chr9-139571983-A-C.
Other names: c.208T>G, p.Phe70Val (NM_001012727.2); short protein forms F70V.
Identifiers: ClinVar variation 549536 (VCV000549536.8), dbSNP rs140995132, ClinGen allele CA5343109.

ClinVar aggregate classification (germline): Uncertain significance. Review status: criteria provided, multiple submitters, no conflicts (2 of 4 stars). 4 submissions from 4 submitters: Uncertain significance (4). Last evaluated 2025-12-04.

Conditions:
Congenital generalized lipodystrophy type 1 (CGL1). Also called: BRUNZELL SYNDROME, AGPAT2-RELATED; Berardinelli-Seip Congenital Lipodystrophy Type 1. Identifiers: Orphanet 528, Orphanet 696189, MedGen C1720862, MONDO:0012071, OMIM 608594.
Inborn genetic diseases. Identifiers: MedGen C0950123, MeSH D030342.
Monogenic diabetes. Identifiers: Orphanet 183625, MedGen C3888631, MONDO:0015967.

Allele frequency attached by ClinVar (database versions not stated): ESP Exome Variant Server 0.00015; gnomAD 0.00017 and 0.00019; TOPMed 0.00027; 1000 Genomes Project 0.00040; 1000 Genomes Project 30x 0.00047.
gnomAD v4.1: 43 of 1,612,892 alleles (0.0027%); highest among the groups gnomAD compares: African/African-American, 0.056%; no homozygotes.

Submissions (4):

Ambry Genetics
Classification: Uncertain significance for Inborn genetic diseases. Last evaluated: 2025-12-04. Review status: criteria provided, single submitter. Criteria: Ambry Variant Classification Scheme 2023. Collection method: clinical testing. Allele origin: germline.

Labcorp Genetics (formerly Invitae), Labcorp
Classification: Uncertain significance. Last evaluated: 2024-06-03. Review status: criteria provided, single submitter. Criteria: Invitae Variant Classification Sherloc (09022015). Collection method: clinical testing. Allele origin: germline.
Comment: This sequence change replaces phenylalanine, which is neutral and non-polar, with valine, which is neutral and non-polar, at codon 70 of the AGPAT2 protein (p.Phe70Val). This variant is present in population databases (rs140995132, gnomAD 0.06%). This variant has not been reported in the literature in individuals affected with AGPAT2-related conditions. ClinVar contains an entry for this variant (Variation ID: 549536). Advanced modeling of protein sequence and biophysical properties (such as structural, functional, and spatial information, amino acid conservation, physicochemical variation, residue mobility, and thermodynamic stability) performed at Invitae indicates that this missense variant is not expected to disrupt AGPAT2 protein function with a negative predictive value of 80%. In summary, the available evidence is currently insufficient to determine the role of this variant in disease. Therefore, it has been classified as a Variant of Uncertain Significance.

Fulgent Genetics
Classification: Uncertain significance for Congenital generalized lipodystrophy type 1. Last evaluated: 2022-05-12. Review status: criteria provided, single submitter. Criteria: ACMG Guidelines, 2015. Collection method: clinical testing. Allele origin: unknown.

Personalized Diabetes Medicine Program, University of Maryland School of Medicine
Classification: Uncertain significance for Monogenic diabetes. Last evaluated: 2017-06-26. Review status: criteria provided, single submitter. Criteria: ACMG Guidelines, 2015. Collection method: research. Allele origin: unknown. Observed: 1 variant allele, 1 heterozygote. Study: Personalized Diabetes Medicine Program.
Comment: ACMG Criteria:PP3 (5 predictors), BP4 (4 predictors)